The following is an entry in ClinVar:

ClinVar aggregate classification (germline): Uncertain significance. Review status: criteria provided, multiple submitters, no conflicts (2 of 4 stars). 2 submissions from 2 submitters: Uncertain significance (2). Last evaluated 2021-09-09.

Conditions:
Hypertrophic cardiomyopathy. Also called: HYPERTROPHIC MYOCARDIOPATHY. Identifiers: Orphanet 217569, MedGen C0007194, MeSH D002312, MONDO:0005045, HP:0001639.

Submissions (2):

Labcorp Genetics (formerly Invitae), Labcorp
Classification: Uncertain significance for Hypertrophic cardiomyopathy. Last evaluated: 2021-09-09. Review status: criteria provided, single submitter. Criteria: Invitae Variant Classification Sherloc (09022015). Collection method: clinical testing. Allele origin: germline.
Comment: This sequence change replaces glutamine with leucine at codon 9 of the TPM1 protein (p.Gln9Leu). The glutamine residue is moderately conserved and there is a moderate physicochemical difference between glutamine and leucine. This variant is not present in population databases (ExAC no frequency). This variant has not been reported in the literature in individuals affected with TPM1-related conditions. ClinVar contains an entry for this variant (Variation ID: 451106). Algorithms developed to predict the effect of missense changes on protein structure and function are either unavailable or do not agree on the potential impact of this missense change (SIFT: "Deleterious"; PolyPhen-2: "Probably Damaging"; Align-GVGD: "Class C0"). In summary, the available evidence is currently insufficient to determine the role of this variant in disease. Therefore, it has been classified as a Variant of Uncertain Significance.

GeneDx
Classification: Uncertain significance. Last evaluated: 2017-08-09. Review status: criteria provided, single submitter. Criteria: GeneDx Variant Classification (06012015). Collection method: clinical testing. Allele origin: germline. Affected: yes.
Comment: A variant of uncertain significance has been identified in the TPM1 gene. The Q9L variant has not been published as pathogenic or been reported as benign to our knowledge. The Q9L variant is not observed in large population cohorts (Lek et al., 2016; 1000 Genomes Consortium et al., 2015; Exome Variant Server). The Q9L variant is a non-conservative amino acid substitution, which is likely to impact secondary protein structure as these residues differ in polarity, charge, size and/or other properties. Furthermore, this substitution occurs at a position that is conserved across species and in silico analysis predicts this variant is probably damaging to the protein structure/function. Nevertheless, no missense variants in nearby residues have been reported in the Human Gene Mutation Database in association with HCM (Stenson et al., 2014).

NM_001018005.2(TPM1):c.26A>T (p.Gln9Leu)

Gene: TPM1 (tropomyosin 1; plus strand). Cytogenetic location: 15q22.2.
Variant type: single nucleotide variant.
Coding change: c.26A>T on transcript NM_001018005.2 (MANE Select); coding-DNA position 26, A replaced by T.
Protein change: p.Gln9Leu; replaces glutamine 9 with leucine.
Molecular consequence: missense variant.
Genome position (GRCh38, 1-based): chr15:63,042,855, A>T. VCF-style: chr15-63042855-A-T. GRCh37 (hg19) VCF-style: chr15-63335054-A-T.
Other names: c.26A>T, p.Gln9Leu (NM_000366.6, NM_001018004.2, NM_001018006.2 and 7 more transcripts); short protein forms Q9L.
Identifiers: ClinVar variation 451106 (VCV000451106.7), dbSNP rs1555402931, ClinGen allele CA392717971.